The following is an entry in ClinVar:

ClinVar aggregate classification (germline): Uncertain significance (1 of 4 stars; one submission).

Conditions:
Intellectual developmental disorder, autosomal dominant 1. Also called: MBD5 Haploinsufficiency; Intellectual disability, autosomal dominant 1. Identifiers: Orphanet 228402, MedGen C1969562, MONDO:0007974, OMIM 156200.

Allele frequency attached by ClinVar (database versions not stated): gnomAD exomes below 0.00001.
gnomAD v4.1: 3 of 1,613,558 alleles (0.00019%); highest among the groups gnomAD compares: Admixed American, 0.0017%; no homozygotes.

Submission:

Labcorp Genetics (formerly Invitae), Labcorp
Classification: Uncertain significance for Intellectual developmental disorder, autosomal dominant 1. Last evaluated: 2022-11-23. Review status: criteria provided, single submitter. Criteria: Invitae Variant Classification Sherloc (09022015). Collection method: clinical testing. Allele origin: germline.
Comment: In summary, the available evidence is currently insufficient to determine the role of this variant in disease. Therefore, it has been classified as a Variant of Uncertain Significance. Algorithms developed to predict the effect of missense changes on protein structure and function are either unavailable or do not agree on the potential impact of this missense change (SIFT: "Deleterious"; PolyPhen-2: "Not Available"; Align-GVGD: "Class C65"). This variant has not been reported in the literature in individuals affected with MBD5-related conditions. This variant is not present in population databases (gnomAD no frequency). This sequence change replaces tryptophan, which is neutral and slightly polar, with arginine, which is basic and polar, at codon 1197 of the MBD5 protein (p.Trp1197Arg).

NM_001378120.1(MBD5):c.4288T>C (p.Trp1430Arg)

Gene: MBD5 (methyl-CpG binding domain protein 5; plus strand). Cytogenetic location: 2q23.1.
Variant type: single nucleotide variant.
Coding change: c.4288T>C on transcript NM_001378120.1 (MANE Select); coding-DNA position 4288, T replaced by C.
Protein change: p.Trp1430Arg; replaces tryptophan 1430 with arginine.
Molecular consequence: missense variant.
Genome position (GRCh38, 1-based): chr2:148,489,920, T>C. VCF-style: chr2-148489920-T-C. GRCh37 (hg19) VCF-style: chr2-149247489-T-C.
Other names: c.3589T>C, p.Trp1197Arg (NM_018328.5); short protein forms W1197R, W1430R.
Identifiers: ClinVar variation 2776170 (VCV002776170.3), dbSNP rs2470024851, ClinGen allele CA348728551.